The following is an entry in ClinVar:

NM_001370785.2(LRRC7):c.2504C>G (p.Ser835Trp)

Genes: LRRC7 (leucine rich repeat containing 7; plus strand), LRRC7-AS1 (LRRC7 antisense RNA 1; minus strand). Cytogenetic location: 1p31.1.
Variant type: single nucleotide variant.
Coding change: c.2504C>G on transcript NM_001370785.2 (MANE Select); coding-DNA position 2504, C replaced by G.
Protein change: p.Ser835Trp; replaces serine 835 with tryptophan.
Molecular consequence: missense variant. On other transcripts: non-coding transcript variant (1).
Genome position (GRCh38, 1-based): chr1:70,038,328, C>G. VCF-style: chr1-70038328-C-G. GRCh37 (hg19) VCF-style: chr1-70504011-C-G.
Other names: NM_020794.2:c.2390C>G; c.2405C>G, p.Ser802Trp (NM_001330635.3, NM_001366841.1); c.2507C>G, p.Ser836Trp (NM_001350216.3); c.2504C>G, p.Ser835Trp (NM_001366838.3); c.2345C>G, p.Ser782Trp (NM_001366839.3); short protein forms S782W, S802W, S835W, S836W.
Identifiers: ClinVar variation 3899016 (VCV003899016.1).

ClinVar aggregate classification (germline): Uncertain significance (1 of 4 stars; one submission).

Submission:

GeneDx
Classification: Uncertain significance. Last evaluated: 2024-11-07. Review status: criteria provided, single submitter. Criteria: GeneDx Variant Classification Process June 2021. Collection method: clinical testing. Allele origin: germline. Affected: yes.
Comment: Not observed at significant frequency in large population cohorts (gnomAD); In silico analysis supports that this missense variant has a deleterious effect on protein structure/function; Has not been previously published as pathogenic or benign to our knowledge